The following is an entry in ClinVar:

ClinVar aggregate classification (germline): Likely pathogenic. Review status: criteria provided, multiple submitters, no conflicts (2 of 4 stars). 3 submissions from 3 submitters: Likely pathogenic (2). 1 of the submissions does not count toward it. Last evaluated 2025-08-29.

Conditions:
Hypophosphatasia. Also called: Phosphoethanol-aminuria. Identifiers: Orphanet 436, MedGen C0020630, MeSH D007014, MONDO:0018570.
Infantile hypophosphatasia. Identifiers: Orphanet 247651, Orphanet 436, MedGen C0268412, MONDO:1010169, OMIM 241500, MONDO:0009427.

Allele frequency attached by ClinVar (database versions not stated): TOPMed 0.00003.

Submissions (3):

Genomenon, Inc
Classification: Likely pathogenic for Hypophosphatasia. Last evaluated: 2025-08-29. Review status: criteria provided, single submitter. Criteria: Genomenon Sequence Variant Interpretation Standards. Collection method: curation. Allele origin: germline. Affected: yes.
Comment: ALPL c.407G>C is a missense variant that changes the amino acid at residue 136 from Arginine to Proline. This variant has been observed in at least one proband affected with hypophosphatasia (PMID:22913777). It is absent or not present at a significant frequency in gnomAD. In silico models agree that this variant is possibly or probably damaging. The presence of pathogenic missense variant(s) at the same amino acid position indicates that this residue is likely important for protein function. In conclusion, we classify ALPL p.Arg136Pro (c.407G>C) as a likely pathogenic variant.

Labcorp Genetics (formerly Invitae), Labcorp
Classification: Likely pathogenic. Last evaluated: 2023-10-04. Review status: criteria provided, single submitter. Criteria: Invitae Variant Classification Sherloc (09022015). Collection method: clinical testing. Allele origin: germline.
Comment: This sequence change replaces arginine, which is basic and polar, with proline, which is neutral and non-polar, at codon 136 of the ALPL protein (p.Arg136Pro). This variant is not present in population databases (gnomAD no frequency). This missense change has been observed in individual(s) with hypophosphatasia (PMID: 22913777). ClinVar contains an entry for this variant (Variation ID: 551666). Advanced modeling of protein sequence and biophysical properties (such as structural, functional, and spatial information, amino acid conservation, physicochemical variation, residue mobility, and thermodynamic stability) performed at Invitae indicates that this missense variant is expected to disrupt ALPL protein function. This variant disrupts the p.Arg136 amino acid residue in ALPL. Other variant(s) that disrupt this residue have been determined to be pathogenic (PMID: 10094560, 11438998, 11855933, 15694177, 19500388, 25731960, 26783040). This suggests that this residue is clinically significant, and that variants that disrupt this residue are likely to be disease-causing. In summary, the currently available evidence indicates that the variant is pathogenic, but additional data are needed to prove that conclusively. Therefore, this variant has been classified as Likely Pathogenic.

Counsyl
Classification: Uncertain significance for Infantile hypophosphatasia. Last evaluated: 2017-05-04. Review status: no assertion criteria provided. Collection method: clinical testing. Allele origin: unknown. Not counted in ClinVar's aggregate classification.

Literature cited by the submitters: PubMed 22913777 (cited by 3 submitters); PubMed 10094560 (cited by Labcorp Genetics (formerly Invitae), Labcorp); PubMed 11438998 (cited by Labcorp Genetics (formerly Invitae), Labcorp); PubMed 11855933 (cited by Labcorp Genetics (formerly Invitae), Labcorp); PubMed 15694177 (cited by Labcorp Genetics (formerly Invitae), Labcorp); PubMed 19500388 (cited by Labcorp Genetics (formerly Invitae), Labcorp); PubMed 25731960 (cited by Labcorp Genetics (formerly Invitae), Labcorp); PubMed 26783040 (cited by Labcorp Genetics (formerly Invitae), Labcorp).

NM_000478.6(ALPL):c.407G>C (p.Arg136Pro)

Gene: ALPL (alkaline phosphatase, biomineralization associated; plus strand). Cytogenetic location: 1p36.12.
Variant type: single nucleotide variant.
Coding change: c.407G>C on transcript NM_000478.6 (MANE Select); coding-DNA position 407, G replaced by C.
Protein change: p.Arg136Pro; replaces arginine 136 with proline.
Molecular consequence: missense variant.
Genome position (GRCh38, 1-based): chr1:21,563,219, G>C. VCF-style: chr1-21563219-G-C. GRCh37 (hg19) VCF-style: chr1-21889712-G-C.
Other names: c.242G>C, p.Arg81Pro (NM_001127501.4); c.176G>C, p.Arg59Pro (NM_001177520.3); c.407G>C, p.Arg136Pro (NM_001369803.2, NM_001369804.2, NM_001369805.2); short protein forms R136P, R81P, R59P.
Identifiers: ClinVar variation 551666 (VCV000551666.6), dbSNP rs121918011, ClinGen allele CA338877271.
Genomic context (GRCh38, chr1:21,563,219, plus strand): 5'-CCTACCTGTGTGGGGTGAAGGCCAATGAGGGCACCGTGGGGGTAAGCGCAGCCACTGAGC[G>C]TTCCCGGTGCAACACCACCCAGGGGAACGAGGTCACCTCCATCCTGCGCTGGGCCAAGGA-3'
Protein context (NP_000469.3, residues 126-146): GTVGVSAATE[Arg136Pro]SRCNTTQGNE